The following is an entry in ClinVar:

ClinVar aggregate classification (germline): Uncertain significance (1 of 4 stars; one submission).

Conditions:
Hajdu-Cheney syndrome (HJCYS). Also called: Acroosteolysis dominant type; SERPENTINE FIBULA-POLYCYSTIC KIDNEY SYNDROME; ACROOSTEOLYSIS WITH OSTEOPOROSIS AND CHANGES IN SKULL AND MANDIBLE. Identifiers: Orphanet 955, MedGen C0917715, MONDO:0007057, OMIM 102500.

gnomAD v4.1: 2 of 1,614,154 alleles (0.00012%); highest among the groups gnomAD compares: East Asian, 0.0045%; no homozygotes.

Submission:

Labcorp Genetics (formerly Invitae), Labcorp
Classification: Uncertain significance for Hajdu-Cheney syndrome. Last evaluated: 2025-10-17. Review status: criteria provided, single submitter. Criteria: Invitae Variant Classification Sherloc (09022015). Collection method: clinical testing. Allele origin: germline.
Comment: This sequence change replaces asparagine, which is neutral and polar, with aspartic acid, which is acidic and polar, at codon 918 of the NOTCH2 protein (p.Asn918Asp). This variant is present in population databases (no rsID available, gnomAD 0.01%). This variant has not been reported in the literature in individuals affected with NOTCH2-related conditions. An algorithm developed to predict the effect of missense changes on protein structure and function (PolyPhen-2) suggests that this variant is likely to be tolerated. In summary, the available evidence is currently insufficient to determine the role of this variant in disease. Therefore, it has been classified as a Variant of Uncertain Significance.

NM_024408.4(NOTCH2):c.2752A>G (p.Asn918Asp)

Gene: NOTCH2 (notch receptor 2; minus strand). Cytogenetic location: 1p12.
Variant type: single nucleotide variant.
Coding change: c.2752A>G on transcript NM_024408.4 (MANE Select); coding-DNA position 2752, A replaced by G.
Protein change: p.Asn918Asp; replaces asparagine 918 with aspartic acid.
Molecular consequence: missense variant.
Genome position (GRCh38, 1-based): chr1:119,948,414, T>C on the plus strand (A>G on the coding strand, the complement: NOTCH2 is on the minus strand). VCF-style: chr1-119948414-T-C. GRCh37 (hg19) VCF-style: chr1-120491037-T-C.
Other names: c.2752A>G, p.Asn918Asp (NM_001200001.2); short protein forms N918D.
Identifiers: ClinVar variation 4769180 (VCV004769180.1).